The following is an entry in ClinVar:

NM_001189.4(NKX3-2):c.512G>T (p.Gly171Val)

Gene: NKX3-2 (NK3 homeobox 2; minus strand). Cytogenetic location: 4p15.33.
Variant type: single nucleotide variant.
Coding change: c.512G>T on transcript NM_001189.4 (MANE Select); coding-DNA position 512, G replaced by T.
Protein change: p.Gly171Val; replaces glycine 171 with valine.
Molecular consequence: missense variant.
Genome position (GRCh38, 1-based): chr4:13,542,483, C>A on the plus strand (G>T on the coding strand, the complement: NKX3-2 is on the minus strand). VCF-style: chr4-13542483-C-A. GRCh37 (hg19) VCF-style: chr4-13544107-C-A.
Other names: c.512G>T (NM_001189.3); short protein forms G171V.
Identifiers: ClinVar variation 1356654 (VCV001356654.9), dbSNP rs1288440843, ClinGen allele CA356377200.

ClinVar aggregate classification (germline): Uncertain significance. Review status: criteria provided, multiple submitters, no conflicts (2 of 4 stars). 2 submissions from 2 submitters: Uncertain significance (2). Last evaluated 2025-01-24.

Conditions:
Inborn genetic diseases. Identifiers: MedGen C0950123, MeSH D030342.

Allele frequency attached by ClinVar (database versions not stated): gnomAD 0.00001; gnomAD exomes 0.00002.
gnomAD v4.1: 16 of 1,596,524 alleles (0.001%); highest among the groups gnomAD compares: South Asian, 0.011%; no homozygotes.

Submissions (2):

Ambry Genetics
Classification: Uncertain significance for Inborn genetic diseases. Last evaluated: 2025-01-24. Review status: criteria provided, single submitter. Criteria: Ambry Variant Classification Scheme 2023. Collection method: clinical testing. Allele origin: germline.

Labcorp Genetics (formerly Invitae), Labcorp
Classification: Uncertain significance. Last evaluated: 2021-05-04. Review status: criteria provided, single submitter. Criteria: Invitae Variant Classification Sherloc (09022015). Collection method: clinical testing. Allele origin: germline.
Comment: This sequence change replaces glycine with valine at codon 171 of the NKX3-2 protein (p.Gly171Val). The glycine residue is moderately conserved and there is a moderate physicochemical difference between glycine and valine. This variant is not present in population databases (ExAC no frequency). This variant has not been reported in the literature in individuals with NKX3-2-related conditions. Algorithms developed to predict the effect of missense changes on protein structure and function are either unavailable or do not agree on the potential impact of this missense change (SIFT: "Deleterious"; PolyPhen-2: "Benign"; Align-GVGD: "Class C0"). In summary, the available evidence is currently insufficient to determine the role of this variant in disease. Therefore, it has been classified as a Variant of Uncertain Significance.